The following is an entry in ClinVar:

NM_006949.4(STXBP2):c.1697-34C>G

Gene: STXBP2 (syntaxin binding protein 2; plus strand). Cytogenetic location: 19p13.2.
Variant type: single nucleotide variant.
Coding change: c.1697-34C>G on transcript NM_006949.4 (MANE Select); 34 bases into the intron before coding-DNA position 1697, C replaced by G.
Molecular consequence: intron variant.
Genome position (GRCh38, 1-based): chr19:7,647,691, C>G. VCF-style: chr19-7647691-C-G. GRCh37 (hg19) VCF-style: chr19-7712577-C-G.
Other names: c.1601-34C>G (NM_001414484.1); c.1730-34C>G (NM_001272034.2); c.1688-34C>G (NM_001127396.3).
Identifiers: ClinVar variation 2628269 (VCV002628269.2), dbSNP rs146551063, ClinGen allele CA9144308.

ClinVar aggregate classification (germline): Benign (1 of 4 stars; one submission).

Allele frequency attached by ClinVar (database versions not stated): ESP Exome Variant Server 0.00246; ExAC 0.02319; 1000 Genomes Project 0.02456; 1000 Genomes Project 30x 0.02608.
gnomAD v4.1: 14,510 of 1,612,302 alleles (0.9%); highest among the groups gnomAD compares: Admixed American, 15%; 802 homozygotes.

Submission:

Unidad de Genómica Garrahan, Hospital de Pediatría Garrahan
Classification: Benign. Last evaluated: 2023-11-12. Review status: criteria provided, single submitter. Criteria: ACMG Guidelines, 2015. Collection method: clinical testing. Allele origin: germline. Affected: no. Observed: 23 variant alleles.
Comment: This variant is classified as Benign based on local population frequency. This variant was detected in 24% of patients studied by a panel of primary immunodeficiencies. Number of patients: 23. Only high quality variants are reported.